The following is an entry in ClinVar:

NM_014585.6(SLC40A1):c.562G>A (p.Ala188Thr)

Gene: SLC40A1 (solute carrier family 40 member 1; minus strand). Cytogenetic location: 2q32.2.
Variant type: single nucleotide variant.
Coding change: c.562G>A on transcript NM_014585.6 (MANE Select); coding-DNA position 562, G replaced by A.
Protein change: p.Ala188Thr; replaces alanine 188 with threonine.
Molecular consequence: missense variant.
Genome position (GRCh38, 1-based): chr2:189,565,552, C>T on the plus strand (G>A on the coding strand, the complement: SLC40A1 is on the minus strand). VCF-style: chr2-189565552-C-T. GRCh37 (hg19) VCF-style: chr2-190430278-C-T.
Other names: short protein forms A188T.
Identifiers: ClinVar variation 2958696 (VCV002958696.3), dbSNP rs2468769448, ClinGen allele CA349988925.

ClinVar aggregate classification (germline): Uncertain significance (1 of 4 stars; one submission).

Conditions:
Hemochromatosis type 4 (HFE4). Also called: Ferroportin disease; HEMOCHROMATOSIS DUE TO DEFECT IN FERROPORTIN; HEMOCHROMATOSIS, AUTOSOMAL DOMINANT. Identifiers: Orphanet 139491, Orphanet 647834, Orphanet 648562, MedGen C1853733, MONDO:0011631, OMIM 606069.

Allele frequency attached by ClinVar (database versions not stated): gnomAD exomes 0.00001.
gnomAD v4.1: 17 of 1,614,212 alleles (0.0011%); highest among the groups gnomAD compares: Non-Finnish European, 0.0014%; no homozygotes.

Submission:

Labcorp Genetics (formerly Invitae), Labcorp
Classification: Uncertain significance for Hemochromatosis type 4. Last evaluated: 2023-12-30. Review status: criteria provided, single submitter. Criteria: Invitae Variant Classification Sherloc (09022015). Collection method: clinical testing. Allele origin: germline.
Comment: This sequence change replaces alanine, which is neutral and non-polar, with threonine, which is neutral and polar, at codon 188 of the SLC40A1 protein (p.Ala188Thr). This variant is not present in population databases (gnomAD no frequency). This variant has not been reported in the literature in individuals affected with SLC40A1-related conditions. Advanced modeling of protein sequence and biophysical properties (such as structural, functional, and spatial information, amino acid conservation, physicochemical variation, residue mobility, and thermodynamic stability) performed at Invitae indicates that this missense variant is not expected to disrupt SLC40A1 protein function with a negative predictive value of 80%. In summary, the available evidence is currently insufficient to determine the role of this variant in disease. Therefore, it has been classified as a Variant of Uncertain Significance.